The following is an entry in ClinVar:

ClinVar aggregate classification (germline): Uncertain significance. Review status: criteria provided, multiple submitters, no conflicts (2 of 4 stars). 2 submissions from 2 submitters: Uncertain significance (2). Last evaluated 2022-07-19.

Conditions:
Primary ciliary dyskinesia. Also called: Ciliary dyskinesia. Identifiers: Orphanet 244, MedGen C0008780, MONDO:0016575, HP:0012265.

Allele frequency attached by ClinVar (database versions not stated): gnomAD 0.00003 and 0.00004; TOPMed 0.00003.
gnomAD v4.1: 171 of 1,281,666 alleles (0.013%); highest among the groups gnomAD compares: Non-Finnish European, 0.016%; no homozygotes.

Submissions (2):

Labcorp Genetics (formerly Invitae), Labcorp
Classification: Uncertain significance for Primary ciliary dyskinesia. Last evaluated: 2022-07-19. Review status: criteria provided, single submitter. Criteria: Invitae Variant Classification Sherloc (09022015). Collection method: clinical testing. Allele origin: germline.
Comment: This sequence change replaces glutamic acid, which is acidic and polar, with glutamine, which is neutral and polar, at codon 23 of the DNAAF5 protein (p.Glu23Gln). This variant is present in population databases (no rsID available, gnomAD 0.007%). This variant has not been reported in the literature in individuals affected with DNAAF5-related conditions. ClinVar contains an entry for this variant (Variation ID: 566686). Algorithms developed to predict the effect of missense changes on protein structure and function (SIFT, PolyPhen-2, Align-GVGD) all suggest that this variant is likely to be tolerated. In summary, the available evidence is currently insufficient to determine the role of this variant in disease. Therefore, it has been classified as a Variant of Uncertain Significance.

Ambry Genetics
Classification: Uncertain significance for Primary ciliary dyskinesia. Last evaluated: 2021-07-06. Review status: criteria provided, single submitter. Criteria: Ambry Variant Classification Scheme 2023. Collection method: clinical testing. Allele origin: germline.

NM_017802.4(DNAAF5):c.67G>C (p.Glu23Gln)

Genes: DNAAF5 (dynein axonemal assembly factor 5; plus strand), PRKAR1B (protein kinase cAMP-dependent type I regulatory subunit beta; minus strand), LOC129997730 (ATAC-STARR-seq lymphoblastoid silent region 17816; plus strand). Cytogenetic location: 7p22.3.
Variant type: single nucleotide variant.
Coding change: c.67G>C on transcript NM_017802.4 (MANE Select); coding-DNA position 67, G replaced by C.
Protein change: p.Glu23Gln; replaces glutamic acid 23 with glutamine.
Molecular consequence: missense variant. On other transcripts: non-coding transcript variant (1), intron variant (3).
Genome position (GRCh38, 1-based): chr7:726,787, G>C. VCF-style: chr7-726787-G-C. GRCh37 (hg19) VCF-style: chr7-766424-G-C.
Other names: c.-23+868C>G (NM_001164759.1); c.-23+803C>G (NM_001164758.2); c.-23+423C>G (NM_001164760.2); short protein forms E23Q.
Identifiers: ClinVar variation 566686 (VCV000566686.9), dbSNP rs1443526471, ClinGen allele CA366529682.
Genomic context (GRCh38, chr7:726,787, plus strand): 5'-GCGCTGGGGGTGGCGGAGGCCGTGGCGGCCCCACACCCGGCTGAGGGGGCCGAGACGGCT[G>C]AGGCGGTGGAGCTGAGCCGCGCCCTGAGCCGCCTGCTGCCGGGGCTGGAGGCCGACAGCA-3'
Protein context (NP_060272.3, residues 13-33): PHPAEGAETA[Glu23Gln]AVELSRALSR